The following is an entry in ClinVar:

ClinVar aggregate classification (germline): Uncertain significance (1 of 4 stars; one submission).

Allele frequency attached by ClinVar (database versions not stated): gnomAD exomes 0.00001; gnomAD 0.00003; TOPMed 0.00005.
gnomAD v4.1: 16 of 1,613,872 alleles (0.00099%); highest among the groups gnomAD compares: African/African-American, 0.02%; no homozygotes.

Submission:

Labcorp Genetics (formerly Invitae), Labcorp
Classification: Uncertain significance. Last evaluated: 2024-10-17. Review status: criteria provided, single submitter. Criteria: Invitae Variant Classification Sherloc (09022015). Collection method: clinical testing. Allele origin: germline.
Comment: This sequence change replaces threonine, which is neutral and polar, with alanine, which is neutral and non-polar, at codon 685 of the ANKZF1 protein (p.Thr685Ala). This variant is present in population databases (no rsID available, gnomAD 0.02%). This variant has not been reported in the literature in individuals affected with ANKZF1-related conditions. An algorithm developed to predict the effect of missense changes on protein structure and function outputs the following: PolyPhen-2: "Benign". The alanine amino acid residue is found in multiple mammalian species, which suggests that this missense change does not adversely affect protein function. In summary, the available evidence is currently insufficient to determine the role of this variant in disease. Therefore, it has been classified as a Variant of Uncertain Significance.

NM_018089.3(ANKZF1):c.2053A>G (p.Thr685Ala)

Gene: ANKZF1 (ankyrin repeat and zinc finger peptidyl tRNA hydrolase 1; plus strand). Cytogenetic location: 2q35.
Variant type: single nucleotide variant.
Coding change: c.2053A>G on transcript NM_018089.3 (MANE Select); coding-DNA position 2053, A replaced by G.
Protein change: p.Thr685Ala; replaces threonine 685 with alanine.
Molecular consequence: missense variant.
Genome position (GRCh38, 1-based): chr2:219,236,091, A>G. VCF-style: chr2-219236091-A-G. GRCh37 (hg19) VCF-style: chr2-220100813-A-G.
Other names: c.2053A>G, p.Thr685Ala (NM_001042410.2); c.1423A>G, p.Thr475Ala (NM_001282792.2); short protein forms T475A, T685A.
Identifiers: ClinVar variation 2976417 (VCV002976417.3), dbSNP rs995703531, ClinGen allele CA65974668.